The following is an entry in ClinVar:

NM_004260.4(RECQL4):c.254C>T (p.Ala85Val)

Gene: RECQL4 (RecQ like helicase 4; minus strand). Cytogenetic location: 8q24.3.
Variant type: single nucleotide variant.
Coding change: c.254C>T on transcript NM_004260.4 (MANE Select); coding-DNA position 254, C replaced by T.
Protein change: p.Ala85Val; replaces alanine 85 with valine.
Molecular consequence: missense variant.
Genome position (GRCh38, 1-based): chr8:144,517,150, G>A on the plus strand (C>T on the coding strand, the complement: RECQL4 is on the minus strand). VCF-style: chr8-144517150-G-A. GRCh37 (hg19) VCF-style: chr8-145742534-G-A.
Other names: short protein forms A85V.
Identifiers: ClinVar variation 957566 (VCV000957566.8), dbSNP rs756838362, ClinGen allele CA4949406.
Genomic context (GRCh38, chr8:144,517,150, plus strand): 5'-TAGTCCGGCACCGAGCCCTGGCGGCTCCGCCCTGGCGTAGACTGTGGACTCTTGGTCGCA[G>A]CCCGATTCAGATGGGGCCCCCAGCAGCGGGGCTCTGGCGCCTGCAGGAGACAACAGGGGC-3'
Protein context (NP_004251.4, residues 75-95): PRCWGPHLNR[Ala85Val]ATKSPQSTPG

ClinVar aggregate classification (germline): Uncertain significance. Review status: criteria provided, multiple submitters, no conflicts (2 of 4 stars). 2 submissions from 2 submitters: Uncertain significance (2). Last evaluated 2025-11-10.

Conditions:
Baller-Gerold syndrome (BGS). Also called: CRANIOSYNOSTOSIS WITH RADIAL DEFECTS. Identifiers: Orphanet 1225, MedGen C0265308, MONDO:0009039, OMIM 218600.
Inborn genetic diseases. Identifiers: MedGen C0950123, MeSH D030342.

Allele frequency attached by ClinVar (database versions not stated): TOPMed 0.00002.
gnomAD v4.1: 7 of 1,610,684 alleles (0.00043%); highest among the groups gnomAD compares: Admixed American, 0.012%; no homozygotes.

Submissions (2):

Labcorp Genetics (formerly Invitae), Labcorp
Classification: Uncertain significance for Baller-Gerold syndrome. Last evaluated: 2025-11-10. Review status: criteria provided, single submitter. Criteria: Invitae Variant Classification Sherloc (09022015). Collection method: clinical testing. Allele origin: germline.
Comment: This sequence change replaces alanine, which is neutral and non-polar, with valine, which is neutral and non-polar, at codon 85 of the RECQL4 protein (p.Ala85Val). This variant is present in population databases (rs756838362, gnomAD 0.02%). This variant has not been reported in the literature in individuals affected with RECQL4-related conditions. ClinVar contains an entry for this variant (Variation ID: 957566). Invitae Evidence Modeling of protein sequence and biophysical properties (such as structural, functional, and spatial information, amino acid conservation, physicochemical variation, residue mobility, and thermodynamic stability) indicates that this missense variant is not expected to disrupt RECQL4 protein function with a negative predictive value of 80%. In summary, the available evidence is currently insufficient to determine the role of this variant in disease. Therefore, it has been classified as a Variant of Uncertain Significance.

Ambry Genetics
Classification: Uncertain significance for Inborn genetic diseases. Last evaluated: 2025-08-10. Review status: criteria provided, single submitter. Criteria: Ambry Variant Classification Scheme 2023. Collection method: clinical testing. Allele origin: germline.